The following is an entry in ClinVar:

ClinVar aggregate classification (germline): Uncertain significance (1 of 4 stars; one submission).

Submission:

Labcorp Genetics (formerly Invitae), Labcorp
Classification: Uncertain significance. Last evaluated: 2026-01-04. Review status: criteria provided, single submitter. Criteria: Invitae Variant Classification Sherloc (09022015). Collection method: clinical testing. Allele origin: germline.
Comment: This sequence change replaces leucine, which is neutral and non-polar, with proline, which is neutral and non-polar, at codon 73 of the STAR protein (p.Leu73Pro). This variant is not present in population databases (gnomAD no frequency). This variant has not been reported in the literature in individuals affected with STAR-related conditions. Invitae Evidence Modeling of protein sequence and biophysical properties (such as structural, functional, and spatial information, amino acid conservation, physicochemical variation, residue mobility, and thermodynamic stability) indicates that this missense variant is not expected to disrupt STAR protein function with a negative predictive value of 80%. In summary, the available evidence is currently insufficient to determine the role of this variant in disease. Therefore, it has been classified as a Variant of Uncertain Significance.

NM_000349.3(STAR):c.218T>C (p.Leu73Pro)

Gene: STAR (steroidogenic acute regulatory protein; minus strand). Cytogenetic location: 8p11.23.
Variant type: single nucleotide variant.
Coding change: c.218T>C on transcript NM_000349.3 (MANE Select); coding-DNA position 218, T replaced by C.
Protein change: p.Leu73Pro; replaces leucine 73 with proline.
Molecular consequence: missense variant.
Genome position (GRCh38, 1-based): chr8:38,148,288, A>G on the plus strand (T>C on the coding strand, the complement: STAR is on the minus strand). VCF-style: chr8-38148288-A-G. GRCh37 (hg19) VCF-style: chr8-38005806-A-G.
Other names: short protein forms L73P.
Identifiers: ClinVar variation 4806999 (VCV004806999.1).